The following is an entry in ClinVar:

NM_000283.4(PDE6B):c.851A>T (p.Lys284Met)

Genes: PDE6B (phosphodiesterase 6B; plus strand), PDE6B-AS1 (PDE6B antisense RNA 1; minus strand). Cytogenetic location: 4p16.3.
Variant type: single nucleotide variant.
Coding change: c.851A>T on transcript NM_000283.4 (MANE Select); coding-DNA position 851, A replaced by T.
Protein change: p.Lys284Met; replaces lysine 284 with methionine.
Molecular consequence: missense variant. On other transcripts: 5 prime UTR variant (1).
Genome position (GRCh38, 1-based): chr4:653,991, A>T. VCF-style: chr4-653991-A-T. GRCh37 (hg19) VCF-style: chr4-647780-A-T.
Other names: c.851A>T, p.Lys284Met (NM_001145291.2); c.14A>T, p.Lys5Met (NM_001145292.2, NM_001350154.3, NM_001379246.1 and 1 more transcripts); c.-190A>T (NM_001350155.3); short protein forms K284M, K5M.
Identifiers: ClinVar variation 1427250 (VCV001427250.8), dbSNP rs2109193002, ClinGen allele CA355911604.

ClinVar aggregate classification (germline): Uncertain significance (1 of 4 stars; one submission).

Submission:

Labcorp Genetics (formerly Invitae), Labcorp
Classification: Uncertain significance. Last evaluated: 2022-08-16. Review status: criteria provided, single submitter. Criteria: Invitae Variant Classification Sherloc (09022015). Collection method: clinical testing. Allele origin: germline.
Comment: Algorithms developed to predict the effect of sequence changes on RNA splicing suggest that this variant may disrupt the consensus splice site. This sequence change replaces lysine, which is basic and polar, with methionine, which is neutral and non-polar, at codon 284 of the PDE6B protein (p.Lys284Met). This variant is not present in population databases (gnomAD no frequency). This variant has not been reported in the literature in individuals affected with PDE6B-related conditions. ClinVar contains an entry for this variant (Variation ID: 1427250). Algorithms developed to predict the effect of missense changes on protein structure and function (SIFT, PolyPhen-2, Align-GVGD) all suggest that this variant is likely to be disruptive. In summary, the available evidence is currently insufficient to determine the role of this variant in disease. Therefore, it has been classified as a Variant of Uncertain Significance.